The following is an entry in ClinVar:

NM_003764.4(STX11):c.*1793A>C

Gene: STX11 (syntaxin 11; plus strand). Cytogenetic location: 6q24.2.
Variant type: single nucleotide variant.
Coding change: c.*1793A>C on transcript NM_003764.4 (MANE Select); 1793 bases downstream of the stop codon, A replaced by C.
Molecular consequence: 3 prime UTR variant.
Genome position (GRCh38, 1-based): chr6:144,189,284, A>C. VCF-style: chr6-144189284-A-C. GRCh37 (hg19) VCF-style: chr6-144510421-A-C.
Other names: c.*1793A>C (LRG_113t1).
Identifiers: ClinVar variation 355630 (VCV000355630.5), dbSNP rs4896705, ClinGen allele CA10626153.

ClinVar aggregate classification (germline): Benign (1 of 4 stars; one submission).

Conditions:
Familial hemophagocytic lymphohistiocytosis 4 (FHL4). Also called: STX11-Related Familial Hemophagocytic Lymphohistiocytosis (STX11-fHLH). Identifiers: Orphanet 540, MedGen C1863728, MONDO:0011336, OMIM 603552.

Allele frequency attached by ClinVar (database versions not stated): 1000 Genomes Project 0.27296; 1000 Genomes Project 30x 0.27327; TOPMed 0.27723; gnomAD 0.28074 and 0.28310.
gnomAD v4.1: 43,126 of 152,152 alleles (28%); highest among the groups gnomAD compares: East Asian, 36%; 6,411 homozygotes.

Submission:

Illumina Laboratory Services, Illumina
Classification: Benign for Familial hemophagocytic lymphohistiocytosis 4. Last evaluated: 2018-01-13. Review status: criteria provided, single submitter. Criteria: ICSL Variant Classification Criteria 13 December 2019. Collection method: clinical testing. Allele origin: germline.
Comment: This variant was observed in the ICSL laboratory as part of a predisposition screen in an ostensibly healthy population. It had not been previously curated by ICSL or reported in the Human Gene Mutation Database (HGMD: prior to June 1st, 2018), and was therefore a candidate for classification through an automated scoring system. Utilizing variant allele frequency, disease prevalence and penetrance estimates, and inheritance mode, an automated score was calculated to assess if this variant is too frequent to cause the disease. Based on the score and internal cut-off values, a variant classified as benign is not then subjected to further curation. The score for this variant resulted in a classification of benign for this disease.